The following is an entry in ClinVar:

ClinVar aggregate classification (germline): Benign/Likely benign. Review status: criteria provided, multiple submitters, no conflicts (2 of 4 stars). 5 submissions from 5 submitters: Benign (1); Likely benign (4). Last evaluated 2026-01-28.

Conditions:
BAP1-related tumor predisposition syndrome (TPDS1). Also called: BAP1 tumor predisposition syndrome; COMMON Syndrome; TUMOR PREDISPOSITION SYNDROME 1; Tumor susceptibility linked to germline BAP1 mutations. Identifiers: Orphanet 289539, MedGen C3280492, MONDO:0013692, OMIM 614327.
Hereditary cancer-predisposing syndrome. Also called: Neoplastic Syndromes, Hereditary; Tumor predisposition; Hereditary Cancer Syndrome; Hereditary neoplastic syndrome. Identifiers: Orphanet 140162, MedGen C0027672, MeSH D009386, MONDO:0015356.

Allele frequency attached by ClinVar (database versions not stated): gnomAD exomes below 0.00001 and 0.00001; ExAC 0.00001; gnomAD 0.00001; TOPMed 0.00001.

Submissions (5):

Labcorp Genetics (formerly Invitae), Labcorp
Classification: Likely benign for BAP1-related tumor predisposition syndrome. Last evaluated: 2026-01-28. Review status: criteria provided, single submitter. Criteria: Invitae Variant Classification Sherloc (09022015). Collection method: clinical testing. Allele origin: germline.

Quest Diagnostics Nichols Institute San Juan Capistrano
Classification: Likely benign. Last evaluated: 2024-12-17. Review status: criteria provided, single submitter. Criteria: Quest Diagnostics criteria. Collection method: clinical testing. Allele origin: unknown.

Myriad Genetics, Inc.
Classification: Benign for BAP1-related tumor predisposition syndrome. Last evaluated: 2024-07-15. Review status: criteria provided, single submitter. Criteria: Myriad Autosomal Dominant, Autosomal Recessive and X-Linked Classification Criteria (2023). Collection method: clinical testing. Allele origin: unknown.
Comment: This variant is considered benign. This variant is a silent/synonymous amino acid change and it is not expected to impact splicing.

Ambry Genetics
Classification: Likely benign for Hereditary cancer-predisposing syndrome. Last evaluated: 2019-12-16. Review status: criteria provided, single submitter. Criteria: Ambry Variant Classification Scheme 2023. Collection method: clinical testing. Allele origin: germline.

Color Diagnostics, LLC DBA Color Health
Classification: Likely benign for Hereditary cancer-predisposing syndrome. Last evaluated: 2017-10-02. Review status: criteria provided, single submitter. Criteria: ACMG Guidelines, 2015. Collection method: clinical testing. Allele origin: germline.

NM_004656.4(BAP1):c.948G>A (p.Ala316=)

Gene: BAP1 (BRCA1 associated deubiquitinase 1; minus strand). Cytogenetic location: 3p21.1.
Variant type: single nucleotide variant.
Coding change: c.948G>A on transcript NM_004656.4 (MANE Select); coding-DNA position 948, G replaced by A.
Protein change: p.Ala316=; no amino-acid change (alanine 316 retained).
Molecular consequence: synonymous variant.
Genome position (GRCh38, 1-based): chr3:52,405,278, C>T on the plus strand (G>A on the coding strand, the complement: BAP1 is on the minus strand). VCF-style: chr3-52405278-C-T. GRCh37 (hg19) VCF-style: chr3-52439294-C-T.
Identifiers: ClinVar variation 472720 (VCV000472720.19), dbSNP rs776898908, ClinGen allele CA2436947.